The following is an entry in ClinVar:

NM_001163435.3(TBCK):c.1860+1G>A

Gene: TBCK (TBC1 domain containing kinase; minus strand). Cytogenetic location: 4q24.
Variant type: single nucleotide variant.
Coding change: c.1860+1G>A on transcript NM_001163435.3 (MANE Select); the canonical splice donor site of the intron after coding-DNA position 1860, G replaced by A.
Molecular consequence: splice donor variant.
Genome position (GRCh38, 1-based): chr4:106,212,749, C>T on the plus strand (G>A on the coding strand, the complement: TBCK is on the minus strand). VCF-style: chr4-106212749-C-T. GRCh37 (hg19) VCF-style: chr4-107133906-C-T.
Other names: c.1860+1G>A (NM_001163436.4); c.1671+1G>A (NM_033115.5); c.1743+1G>A (NM_001163437.3); c.1344+1G>A (NM_001290768.2).
Identifiers: ClinVar variation 636243 (VCV000636243.8), dbSNP rs1303851095, ClinGen allele CA357821605.

ClinVar aggregate classification (germline): Pathogenic. Review status: criteria provided, multiple submitters, no conflicts (2 of 4 stars). 4 submissions from 4 submitters: Pathogenic (4). Last evaluated 2025-01-13.

Conditions:
Hypotonia, infantile, with psychomotor retardation and characteristic facies 3 (IHPRF3). Also called: TBCK-Related Neurodevelopmental Disorder. Identifiers: Orphanet 488632, MedGen C5567480, MONDO:0014823, OMIM 616900.

Allele frequency attached by ClinVar (database versions not stated): gnomAD exomes below 0.00001.
gnomAD v4.1: 2 of 1,596,660 alleles (0.00013%); highest among the groups gnomAD compares: Admixed American, 0.0017%; no homozygotes.

Submissions (4):

Broad Center for Mendelian Genomics, Broad Institute of MIT and Harvard
Classification: Pathogenic for Hypotonia, infantile, with psychomotor retardation and characteristic facies 3. Last evaluated: 2025-01-13. Review status: criteria provided, single submitter. Criteria: ACMG Guidelines, 2015. Collection method: curation. Allele origin: germline. Inheritance: Autosomal recessive inheritance.
Comment: The c.1860+1G>A variant in TBCK has been reported in at least one individual with TBCK-related intellectual disability syndrome (PMID: 32190976, 32576985), and has been identified in 0.002% (1/59464) of Admixed American chromosomes by the Genome Aggregation Database (gnomAD; dbSNP ID: rs1303851095). Although this variant has been seen in the general population in a heterozygous state, its frequency is low enough to be consistent with a recessive carrier frequency. This variant has also been reported in ClinVar (Variation ID: 636243) and has been interpreted as pathogenic by the Undiagnosed Diseases Network (NIH) and the Department of Molecular and Human Genetics (Baylor College of Medicine). This variant is located in the 3' splice region. Computational tools predict a splicing impact, though this information is not predictive enough to determine pathogenicity. Loss of function of the TBCK gene is an established disease mechanism in autosomal recessive TBCK-related intellectual disability syndrome. In summary, this variant meets criteria to be classified as pathogenic for autosomal recessive TBCK-related intellectual disability syndrome. ACMG/AMP Criteria applied: PVS1, PM3, PM2_supporting (Richards 2015).

Labcorp Genetics (formerly Invitae), Labcorp
Classification: Pathogenic. Last evaluated: 2023-06-02. Review status: criteria provided, single submitter. Criteria: Invitae Variant Classification Sherloc (09022015). Collection method: clinical testing. Allele origin: germline.
Comment: This sequence change affects a donor splice site in intron 20 of the TBCK gene. It is expected to disrupt RNA splicing. Variants that disrupt the donor or acceptor splice site typically lead to a loss of protein function (PMID: 16199547), and loss-of-function variants in TBCK are known to be pathogenic (PMID: 27040692, 30103036). The frequency data for this variant in the population databases is considered unreliable, as metrics indicate poor data quality at this position in the gnomAD database. Disruption of this splice site has been observed in individual(s) with TBCK-related conditions (PMID: 32190976, 36317458). In at least one individual the data is consistent with being in trans (on the opposite chromosome) from a pathogenic variant. ClinVar contains an entry for this variant (Variation ID: 636243). Algorithms developed to predict the effect of sequence changes on RNA splicing suggest that this variant may disrupt the consensus splice site. For these reasons, this variant has been classified as Pathogenic.

Department of Molecular and Human Genetics, Baylor College of Medicine
Classification: Pathogenic for Hypotonia, infantile, with psychomotor retardation and characteristic facies 3. Last evaluated: 2020-04-16. Review status: criteria provided, single submitter. Criteria: ACMG Guidelines, 2015. Collection method: clinical testing. Allele origin: inherited. Affected: yes. Observed: 1 heterozygote.

Undiagnosed Diseases Network, NIH
Classification: Pathogenic for Hypotonia, infantile, with psychomotor retardation and characteristic facies 3. Last evaluated: 2019-02-06. Review status: criteria provided, single submitter. Criteria: ACMG Guidelines, 2015. Collection method: clinical testing. Allele origin: maternal. Inheritance: Autosomal recessive inheritance. Affected: yes. Observed: 1 variant allele, 1 compound heterozygote.

Literature cited by the submitters: PubMed 16199547 (cited by Labcorp Genetics (formerly Invitae), Labcorp); PubMed 27040692 (cited by Labcorp Genetics (formerly Invitae), Labcorp); PubMed 30103036 (cited by Labcorp Genetics (formerly Invitae), Labcorp); PubMed 32190976 (cited by Labcorp Genetics (formerly Invitae), Labcorp); PubMed 36317458 (cited by Labcorp Genetics (formerly Invitae), Labcorp); PubMed 32576985 (cited by Department of Molecular and Human Genetics, Baylor College of Medicine).